The following is an entry in ClinVar:

ClinVar aggregate classification (germline): Pathogenic (1 of 4 stars; one submission).

Conditions:
Ataxia-telangiectasia syndrome (AT). Also called: LOUIS-BAR SYNDROME; Cerebello-oculocutaneous telangiectasia; Immunodeficiency with ataxia telangiectasia; AT, COMPLEMENTATION GROUP C; Ataxia-telangiectasia, complementation group D; ATAXIA-TELANGIECTASIA, COMPLEMENTATION GROUP A. Identifiers: Orphanet 100, MedGen C0004135, MONDO:0008840, OMIM 208900.

Submission:

Labcorp Genetics (formerly Invitae), Labcorp
Classification: Pathogenic for Ataxia-telangiectasia syndrome. Last evaluated: 2023-11-02. Review status: criteria provided, single submitter. Criteria: Invitae Variant Classification Sherloc (09022015). Collection method: clinical testing. Allele origin: unknown.
Comment: This variant is a gross deletion of the genomic region encompassing exon(s) 30-33 of the ATM gene. This deletion is out-of-frame, and is expected to create a premature termination codon and result in an absent or disrupted protein product. Loss-of-function variants in ATM are known to be pathogenic (PMID: 23807571, 25614872). This variant has not been reported in the literature in individuals affected with ATM-related conditions. For these reasons, this variant has been classified as Pathogenic.

Literature cited by the submitters: PubMed 23807571; PubMed 25614872.

NC_000011.9:g.(?_108163326)_(108168129_?)del

Gene: ATM (ATM serine/threonine kinase; plus strand). Cytogenetic location: 11q22.3.
Variant type: Deletion.
Identifiers: ClinVar variation 3244477 (VCV003244477.1).